The following is an entry in ClinVar:

ClinVar aggregate classification (germline): Conflicting classifications of pathogenicity. Review status: criteria provided, conflicting classifications (1 of 4 stars). 3 submissions from 3 submitters: Uncertain significance (2); Benign (1). Last evaluated 2024-11-11.

Conditions:
Hereditary cancer-predisposing syndrome. Also called: Tumor predisposition; Neoplastic Syndromes, Hereditary; Hereditary Cancer Syndrome; Hereditary neoplastic syndrome. Identifiers: Orphanet 140162, MedGen C0027672, MeSH D009386, MONDO:0015356.
Juvenile polyposis syndrome (JPS). Identifiers: Orphanet 2929, MedGen C0345893, MONDO:0017380, OMIM 174900.

Allele frequency attached by ClinVar (database versions not stated): gnomAD exomes 0.00001; ExAC 0.00002.
gnomAD v4.1: 9 of 1,614,036 alleles (0.00056%); highest among the groups gnomAD compares: South Asian, 0.0099%; 1 homozygote.

Submissions (3):

Labcorp Genetics (formerly Invitae), Labcorp
Classification: Uncertain significance for Juvenile polyposis syndrome. Last evaluated: 2024-11-11. Review status: criteria provided, single submitter. Criteria: Invitae Variant Classification Sherloc (09022015). Collection method: clinical testing. Allele origin: germline.
Comment: This sequence change replaces isoleucine, which is neutral and non-polar, with valine, which is neutral and non-polar, at codon 210 of the BMPR1A protein (p.Ile210Val). This variant is present in population databases (rs750274275, gnomAD 0.01%). This variant has not been reported in the literature in individuals affected with BMPR1A-related conditions. ClinVar contains an entry for this variant (Variation ID: 486803). Invitae Evidence Modeling of protein sequence and biophysical properties (such as structural, functional, and spatial information, amino acid conservation, physicochemical variation, residue mobility, and thermodynamic stability) has been performed for this missense variant. However, the output from this modeling did not meet the statistical confidence thresholds required to predict the impact of this variant on BMPR1A protein function. In summary, the available evidence is currently insufficient to determine the role of this variant in disease. Therefore, it has been classified as a Variant of Uncertain Significance.

Color Diagnostics, LLC DBA Color Health
Classification: Uncertain significance for Hereditary cancer-predisposing syndrome. Last evaluated: 2023-12-05. Review status: criteria provided, single submitter. Criteria: ACMG Guidelines, 2015. Collection method: clinical testing. Allele origin: germline.
Comment: This missense variant replaces isoleucine with valine at codon 210 of the BMPR1A protein. Computational prediction suggests that this variant may not impact protein structure and function (internally defined REVEL score threshold <= 0.5, PMID: 27666373). To our knowledge, functional studies have not been reported for this variant. This variant has not been reported in individuals affected with BMPR1A-related disorders in the literature. This variant has been identified in 3/251342 chromosomes in the general population by the Genome Aggregation Database (gnomAD). The available evidence is insufficient to determine the role of this variant in disease conclusively. Therefore, this variant is classified as a Variant of Uncertain Significance.

Ambry Genetics
Classification: Benign for Hereditary cancer-predisposing syndrome. Last evaluated: 2022-10-31. Review status: criteria provided, single submitter. Criteria: Ambry Variant Classification Scheme 2023. Collection method: clinical testing. Allele origin: germline.

NM_004329.3(BMPR1A):c.628A>G (p.Ile210Val)

Gene: BMPR1A (bone morphogenetic protein receptor type 1A; plus strand). Cytogenetic location: 10q23.2.
Variant type: single nucleotide variant.
Coding change: c.628A>G on transcript NM_004329.3 (MANE Select); coding-DNA position 628, A replaced by G.
Protein change: p.Ile210Val; replaces isoleucine 210 with valine.
Molecular consequence: missense variant.
Genome position (GRCh38, 1-based): chr10:86,912,337, A>G. VCF-style: chr10-86912337-A-G. GRCh37 (hg19) VCF-style: chr10-88672094-A-G.
Other names: short protein forms I210V.
Identifiers: ClinVar variation 486803 (VCV000486803.14), dbSNP rs750274275, ClinGen allele CA5585564.
Genomic context (GRCh38, chr10:86,912,337, plus strand): 5'-AATCGTGATTTGGAACAGGATGAAGCATTTATTCCAGTTGGAGAATCACTAAAAGACCTT[A>G]TTGACCAGTCACAAAGTTCTGGTAGTGGGTCTGGACTACCTTTATTGGTAAGTTAAACGT-3'
Protein context (NP_004320.2, residues 200-220): IPVGESLKDL[Ile210Val]DQSQSSGSGS